The following is an entry in ClinVar:

ClinVar aggregate classification (germline): Conflicting classifications of pathogenicity. Review status: criteria provided, conflicting classifications (1 of 4 stars). 4 submissions from 4 submitters: Uncertain significance (2); Likely benign (1). 1 of the submissions does not count toward it. Last evaluated 2024-12-02.

Conditions:
SPRY4-related disorder. Also called: SPRY4-related condition.

Allele frequency attached by ClinVar (database versions not stated): 1000 Genomes Project 30x 0.00016; 1000 Genomes Project 0.00020; ExAC 0.00027; TOPMed 0.00028; gnomAD 0.00034; ESP Exome Variant Server 0.00038.
gnomAD v4.1: 787 of 1,614,048 alleles (0.049%); highest among the groups gnomAD compares: Non-Finnish European, 0.063%; no homozygotes.

Submissions (4):

Labcorp Genetics (formerly Invitae), Labcorp
Classification: Uncertain significance. Last evaluated: 2024-12-02. Review status: criteria provided, single submitter. Criteria: Invitae Variant Classification Sherloc (09022015). Collection method: clinical testing. Allele origin: germline.
Comment: This sequence change replaces valine, which is neutral and non-polar, with methionine, which is neutral and non-polar, at codon 281 of the SPRY4 protein (p.Val281Met). This variant is present in population databases (rs200364529, gnomAD 0.05%), and has an allele count higher than expected for a pathogenic variant. This missense change has been observed in individual(s) with clinical features of SPRY4-related conditions (PMID: 23643382). ClinVar contains an entry for this variant (Variation ID: 2052425). An algorithm developed to predict the effect of missense changes on protein structure and function (PolyPhen-2) suggests that this variant is likely to be disruptive. In summary, the available evidence is currently insufficient to determine the role of this variant in disease. Therefore, it has been classified as a Variant of Uncertain Significance.

GeneDx
Classification: Uncertain significance. Last evaluated: 2023-12-27. Review status: criteria provided, single submitter. Criteria: GeneDx Variant Classification Process June 2021. Collection method: clinical testing. Allele origin: germline. Affected: yes.
Comment: In silico analysis supports that this missense variant does not alter protein structure/function; This variant is associated with the following publications: (PMID: 23643382)

CeGaT Center for Human Genetics Tuebingen
Classification: Likely benign. Last evaluated: 2022-10-01. Review status: criteria provided, single submitter. Criteria: CeGaT Center For Human Genetics Tuebingen Variant Classification Criteria Version 2. Collection method: clinical testing. Allele origin: germline. Affected: yes. Observed: 1 variant allele.
Comment: SPRY4: BS1

PreventionGenetics, part of Exact Sciences
Classification: Likely benign for SPRY4-related condition. Last evaluated: 2023-12-28. Review status: no assertion criteria provided. Collection method: clinical testing. Allele origin: germline. Not counted in ClinVar's aggregate classification.
Comment: This variant is classified as likely benign based on ACMG/AMP sequence variant interpretation guidelines (Richards et al. 2015 PMID: 25741868, with internal and published modifications).

Literature cited by the submitters: PubMed 23643382 (cited by Labcorp Genetics (formerly Invitae), Labcorp).

NM_001127496.3(SPRY4):c.772G>A (p.Val258Met)

Gene: SPRY4 (sprouty RTK signaling antagonist 4; minus strand). Cytogenetic location: 5q31.3.
Variant type: single nucleotide variant.
Coding change: c.772G>A on transcript NM_001127496.3 (MANE Select); coding-DNA position 772, G replaced by A.
Protein change: p.Val258Met; replaces valine 258 with methionine.
Molecular consequence: missense variant.
Genome position (GRCh38, 1-based): chr5:142,314,337, C>T on the plus strand (G>A on the coding strand, the complement: SPRY4 is on the minus strand). VCF-style: chr5-142314337-C-T. GRCh37 (hg19) VCF-style: chr5-141693902-C-T.
Other names: c.772G>A, p.Val258Met (NM_001293289.3, NM_001293290.3); c.841G>A, p.Val281Met (NM_030964.5); c.841G>A (NM_030964.3); short protein forms V258M, V281M.
Identifiers: ClinVar variation 2052425 (VCV002052425.28), dbSNP rs200364529, ClinGen allele CA3485471.
Genomic context (GRCh38, chr5:142,314,337, plus strand): 5'-TGTGCTTGCAGCGGCAACCAGGGCGGCGCAGACGGTCGTAGCCACGCTGGGCCAGCTTCA[C>T]GCAGCCGGTGGCAGGCAGGTAGCAGAGCAGGCAGGGCAGCACCACGGAGAGAGCACCCAT-3'
Protein context (NP_001120968.1, residues 248-268): LLCYLPATGC[Val258Met]KLAQRGYDRL